The following is an entry in ClinVar:

ClinVar aggregate classification (germline): Conflicting classifications of pathogenicity. Review status: criteria provided, conflicting classifications (1 of 4 stars). 2 submissions from 2 submitters: Uncertain significance (1); Benign (1). Last evaluated 2023-01-01.

Conditions:
Leber congenital amaurosis 16 (LCA16). Identifiers: Orphanet 65, MedGen C3280062, MONDO:0013613, OMIM 614186.

Allele frequency attached by ClinVar (database versions not stated): gnomAD 0.00386 and 0.00415; TOPMed 0.00440; 1000 Genomes Project 0.00459; 1000 Genomes Project 30x 0.00515.

Submissions (2):

CeGaT Center for Human Genetics Tuebingen
Classification: Benign. Last evaluated: 2023-01-01. Review status: criteria provided, single submitter. Criteria: CeGaT Center For Human Genetics Tuebingen Variant Classification Criteria Version 2. Collection method: clinical testing. Allele origin: germline. Affected: yes. Observed: 1 variant allele.
Comment: GIGYF2: BS1, BS2; KCNJ13: BS1, BS2

Illumina Laboratory Services, Illumina
Classification: Uncertain significance for Leber congenital amaurosis 16. Last evaluated: 2018-01-12. Review status: criteria provided, single submitter. Criteria: ICSL Variant Classification Criteria 13 December 2019. Collection method: clinical testing. Allele origin: germline.

NM_002242.4(KCNJ13):c.*1201C>T

Genes: GIGYF2 (GRB10 interacting GYF protein 2; plus strand), KCNJ13 (potassium inwardly rectifying channel subfamily J member 13; minus strand). Cytogenetic location: 2q37.1.
Variant type: single nucleotide variant.
Coding change: c.*1201C>T on transcript NM_002242.4 (MANE Select); 1201 bases downstream of the stop codon, C replaced by T.
Molecular consequence: 3 prime UTR variant. On other transcripts: intron variant (4).
Genome position (GRCh38, 1-based): chr2:232,766,990, G>A on the plus strand (C>T on the coding strand, the complement: KCNJ13 is on the minus strand). VCF-style: chr2-232766990-G-A. GRCh37 (hg19) VCF-style: chr2-233631700-G-A.
Other names: c.*1763C>T (NM_001172416.1); c.*1201C>T (NM_001172417.1); c.532+5554G>A (NM_001103146.3, NM_015575.4, NM_001103147.2 and 1 more transcripts).
Identifiers: ClinVar variation 335038 (VCV000335038.33), dbSNP rs116740510, ClinGen allele CA10614613.